The following is an entry in ClinVar:

NM_024747.6(HPS6):c.446A>G (p.Glu149Gly)

Gene: HPS6 (HPS6 biogenesis of lysosomal organelles complex 2 subunit 3; plus strand). Cytogenetic location: 10q24.32.
Variant type: single nucleotide variant.
Coding change: c.446A>G on transcript NM_024747.6 (MANE Select); coding-DNA position 446, A replaced by G.
Protein change: p.Glu149Gly; replaces glutamic acid 149 with glycine.
Molecular consequence: missense variant.
Genome position (GRCh38, 1-based): chr10:102,065,920, A>G. VCF-style: chr10-102065920-A-G. GRCh37 (hg19) VCF-style: chr10-103825677-A-G.
Other names: short protein forms E149G.
Identifiers: ClinVar variation 1521784 (VCV001521784.5), dbSNP rs999199670, ClinGen allele CA212200078.

ClinVar aggregate classification (germline): Uncertain significance (1 of 4 stars; one submission).

Allele frequency attached by ClinVar (database versions not stated): gnomAD 0.00001; gnomAD exomes 0.00001; TOPMed 0.00001.

Submission:

Labcorp Genetics (formerly Invitae), Labcorp
Classification: Uncertain significance. Last evaluated: 2021-09-24. Review status: criteria provided, single submitter. Criteria: Invitae Variant Classification Sherloc (09022015). Collection method: clinical testing. Allele origin: germline.
Comment: This sequence change replaces glutamic acid with glycine at codon 149 of the HPS6 protein (p.Glu149Gly). The glutamic acid residue is highly conserved and there is a moderate physicochemical difference between glutamic acid and glycine. The frequency data for this variant in the population databases is considered unreliable, as metrics indicate insufficient coverage at this position in the ExAC database. This variant has not been reported in the literature in individuals with HPS6-related conditions. Algorithms developed to predict the effect of missense changes on protein structure and function are either unavailable or do not agree on the potential impact of this missense change (SIFT: "Deleterious"; PolyPhen-2: "Benign"; Align-GVGD: "Class C0"). In summary, the available evidence is currently insufficient to determine the role of this variant in disease. Therefore, it has been classified as a Variant of Uncertain Significance.